The following is an entry in ClinVar:

ClinVar aggregate classification (germline): Uncertain significance (1 of 4 stars; one submission).

Conditions:
Hereditary motor and sensory neuropathy, Okinawa type (HMSNO). Also called: HEREDITARY MOTOR AND SENSORY NEUROPATHY, PROXIMAL TYPE. Identifiers: Orphanet 90117, MedGen C1858338, MONDO:0011468, OMIM 604484.
Hereditary spastic paraplegia 57. Also called: Spastic paraplegia 57, autosomal recessive. Identifiers: Orphanet 431329, MedGen C3714897, MONDO:0014295, OMIM 615658.

Allele frequency attached by ClinVar (database versions not stated): gnomAD 0.00001 and 0.00004; 1000 Genomes Project 30x 0.00047; TOPMed below 0.00001; ExAC 0.00011; 1000 Genomes Project 0.00060; gnomAD exomes 0.00007.
gnomAD v4.1: 52 of 1,613,376 alleles (0.0032%); highest among the groups gnomAD compares: South Asian, 0.03%; no homozygotes.

Submission:

Labcorp Genetics (formerly Invitae), Labcorp
Classification: Uncertain significance for Hereditary motor and sensory neuropathy, Okinawa type; Hereditary spastic paraplegia 57. Last evaluated: 2025-11-23. Review status: criteria provided, single submitter. Criteria: Invitae Variant Classification Sherloc (09022015). Collection method: clinical testing. Allele origin: germline.
Comment: This sequence change replaces glycine, which is neutral and non-polar, with serine, which is neutral and polar, at codon 252 of the TFG protein (p.Gly252Ser). This variant is present in population databases (rs561904697, gnomAD 0.05%). This variant has not been reported in the literature in individuals affected with TFG-related conditions. ClinVar contains an entry for this variant (Variation ID: 663659). Invitae Evidence Modeling of protein sequence and biophysical properties (such as structural, functional, and spatial information, amino acid conservation, physicochemical variation, residue mobility, and thermodynamic stability) indicates that this missense variant is not expected to disrupt TFG protein function with a negative predictive value of 80%. In summary, the available evidence is currently insufficient to determine the role of this variant in disease. Therefore, it has been classified as a Variant of Uncertain Significance.

NM_006070.6(TFG):c.754G>A (p.Gly252Ser)

Gene: TFG (trafficking from ER to golgi regulator; plus strand). Cytogenetic location: 3q12.2.
Variant type: single nucleotide variant.
Coding change: c.754G>A on transcript NM_006070.6 (MANE Select); coding-DNA position 754, G replaced by A.
Protein change: p.Gly252Ser; replaces glycine 252 with serine.
Molecular consequence: missense variant.
Genome position (GRCh38, 1-based): chr3:100,744,865, G>A. VCF-style: chr3-100744865-G-A. GRCh37 (hg19) VCF-style: chr3-100463709-G-A.
Other names: c.754G>A, p.Gly252Ser (NM_001007565.2, NM_001195478.2); c.742G>A, p.Gly248Ser (NM_001195479.2); short protein forms G248S, G252S.
Identifiers: ClinVar variation 663659 (VCV000663659.11), dbSNP rs561904697, ClinGen allele CA2517185.